The following is an entry in ClinVar:

NM_000719.7(CACNA1C):c.910A>C (p.Ile304Leu)

Gene: CACNA1C (calcium voltage-gated channel subunit alpha1 C; plus strand). Cytogenetic location: 12p13.33.
Variant type: single nucleotide variant.
Coding change: c.910A>C on transcript NM_000719.7 (MANE Select); coding-DNA position 910, A replaced by C.
Protein change: p.Ile304Leu; replaces isoleucine 304 with leucine.
Molecular consequence: missense variant.
Genome position (GRCh38, 1-based): chr12:2,486,256, A>C. VCF-style: chr12-2486256-A-C. GRCh37 (hg19) VCF-style: chr12-2595422-A-C.
Other names: c.910A>C, p.Ile304Leu (NM_001129827.2, NM_001129829.2, NM_001129839.2 and 19 more transcripts); short protein forms I304L.
Identifiers: ClinVar variation 4775385 (VCV004775385.1).

ClinVar aggregate classification (germline): Uncertain significance (1 of 4 stars; one submission).

Conditions:
Long QT syndrome (LQTS). Identifiers: MedGen C0023976, MeSH D008133, MONDO:0002442. Disease mechanism: loss of function. Inheritance: Various modes of inheritance.

gnomAD v4.1: 6 of 1,612,928 alleles (0.00037%); highest among the groups gnomAD compares: East Asian, 0.013%; no homozygotes.

Submission:

Labcorp Genetics (formerly Invitae), Labcorp
Classification: Uncertain significance for Long QT syndrome. Last evaluated: 2025-12-09. Review status: criteria provided, single submitter. Criteria: Invitae Variant Classification Sherloc (09022015). Collection method: clinical testing. Allele origin: germline.
Comment: This sequence change replaces isoleucine, which is neutral and non-polar, with leucine, which is neutral and non-polar, at codon 304 of the CACNA1C protein (p.Ile304Leu). This variant is not present in population databases (gnomAD no frequency). This variant has not been reported in the literature in individuals affected with CACNA1C-related conditions. Invitae Evidence Modeling of protein sequence and biophysical properties (such as structural, functional, and spatial information, amino acid conservation, physicochemical variation, residue mobility, and thermodynamic stability) indicates that this missense variant is not expected to disrupt CACNA1C protein function with a negative predictive value of 95%. In summary, the available evidence is currently insufficient to determine the role of this variant in disease. Therefore, it has been classified as a Variant of Uncertain Significance.